The following is an entry in ClinVar:

NM_000038.6(APC):c.4195C>G (p.Arg1399Gly)

Gene: APC (APC regulator of Wnt signaling pathway; plus strand). Cytogenetic location: 5q22.2.
Variant type: single nucleotide variant.
Coding change: c.4195C>G on transcript NM_000038.6 (MANE Select); coding-DNA position 4195, C replaced by G.
Protein change: p.Arg1399Gly; replaces arginine 1399 with glycine.
Molecular consequence: missense variant. On other transcripts: non-coding transcript variant (2).
Genome position (GRCh38, 1-based): chr5:112,839,789, C>G. VCF-style: chr5-112839789-C-G. GRCh37 (hg19) VCF-style: chr5-112175486-C-G.
Other names: c.4195C>G, p.Arg1399Gly (NM_001127510.3, NM_001354895.2, NM_001407450.1); c.4141C>G, p.Arg1381Gly (NM_001127511.3); c.4249C>G, p.Arg1417Gly (NM_001354896.2, NM_001407447.1, NM_001407448.1 and 1 more transcripts); c.4225C>G, p.Arg1409Gly (NM_001354897.2); c.4120C>G, p.Arg1374Gly (NM_001354898.2); c.4111C>G, p.Arg1371Gly (NM_001354899.2); c.4072C>G, p.Arg1358Gly (NM_001354900.2); c.4018C>G, p.Arg1340Gly (NM_001354901.2, NM_001407453.1); and 11 more; short protein forms R1116G, R1270G, R1298G, R1308G, R1358G, R1371G, R1409G, R1239G.
Identifiers: ClinVar variation 3412743 (VCV003412743.1).

ClinVar aggregate classification (germline): Uncertain significance (1 of 4 stars; one submission).

Conditions:
Hereditary cancer-predisposing syndrome. Also called: Neoplastic Syndromes, Hereditary; Tumor predisposition; Hereditary Cancer Syndrome; Hereditary neoplastic syndrome. Identifiers: Orphanet 140162, MedGen C0027672, MeSH D009386, MONDO:0015356.

Submission:

Ambry Genetics
Classification: Uncertain significance for Hereditary cancer-predisposing syndrome. Last evaluated: 2024-12-08. Review status: criteria provided, single submitter. Criteria: Ambry Variant Classification Scheme 2023. Collection method: clinical testing. Allele origin: germline.
Comment: The p.R1399G variant (also known as c.4195C>G), located in coding exon 15 of the APC gene, results from a C to G substitution at nucleotide position 4195. The arginine at codon 1399 is replaced by glycine, an amino acid with dissimilar properties. This amino acid position is conserved. In addition, in silico predictors for this gene do not accurately predict pathogenicity. Based on the available evidence, the clinical significance of this variant remains unclear.